The following is an entry in ClinVar:

ClinVar aggregate classification (germline): Uncertain significance (1 of 4 stars; one submission).

Conditions:
Hyperphosphatasia with impaired intellectual development syndrome 2. Also called: GLYCOSYLPHOSPHATIDYLINOSITOL BIOSYNTHESIS DEFECT 6; Hyperphosphatasia with intellectual disability syndrome 2. Identifiers: Orphanet 247262, MedGen C3553637, MONDO:0013882, OMIM 614749.

Allele frequency attached by ClinVar (database versions not stated): gnomAD exomes 0.00001; gnomAD 0.00003; TOPMed 0.00002; ExAC 0.00002.
gnomAD v4.1: 22 of 1,614,078 alleles (0.0014%); highest among the groups gnomAD compares: South Asian, 0.0033%; no homozygotes.

Submission:

Labcorp Genetics (formerly Invitae), Labcorp
Classification: Uncertain significance for Hyperphosphatasia with impaired intellectual development syndrome 2. Last evaluated: 2021-08-28. Review status: criteria provided, single submitter. Criteria: Invitae Variant Classification Sherloc (09022015). Collection method: clinical testing. Allele origin: germline.
Comment: This sequence change replaces arginine with glutamine at codon 970 of the PIGO protein (p.Arg970Gln). The arginine residue is weakly conserved and there is a small physicochemical difference between arginine and glutamine. This variant is present in population databases (rs781623319, ExAC 0.006%). This variant has not been reported in the literature in individuals affected with PIGO-related conditions. Algorithms developed to predict the effect of missense changes on protein structure and function output the following: SIFT: "Tolerated"; PolyPhen-2: "Benign"; Align-GVGD: "Class C0". The glutamine amino acid residue is found in multiple mammalian species, which suggests that this missense change does not adversely affect protein function. In summary, the available evidence is currently insufficient to determine the role of this variant in disease. Therefore, it has been classified as a Variant of Uncertain Significance.

NM_032634.4(PIGO):c.2909G>A (p.Arg970Gln)

Gene: PIGO (phosphatidylinositol glycan anchor biosynthesis class O; minus strand). Cytogenetic location: 9p13.3.
Variant type: single nucleotide variant.
Coding change: c.2909G>A on transcript NM_032634.4 (MANE Select); coding-DNA position 2909, G replaced by A.
Protein change: p.Arg970Gln; replaces arginine 970 with glutamine.
Molecular consequence: missense variant.
Genome position (GRCh38, 1-based): chr9:35,090,226, C>T on the plus strand (G>A on the coding strand, the complement: PIGO is on the minus strand). VCF-style: chr9-35090226-C-T. GRCh37 (hg19) VCF-style: chr9-35090223-C-T.
Other names: c.1658G>A, p.Arg553Gln (NM_001201484.2, NM_152850.4); short protein forms R970Q, R553Q.
Identifiers: ClinVar variation 473228 (VCV000473228.8), dbSNP rs781623319, ClinGen allele CA5040298.